The following is an entry in ClinVar:

NM_000138.5(FBN1):c.5893del (p.Ala1965fs)

Gene: FBN1 (fibrillin 1; minus strand). Cytogenetic location: 15q21.1.
Variant type: Deletion.
Coding change: c.5893del on transcript NM_000138.5 (MANE Select); coding-DNA position 5893, one base deleted (G; older notation c.5893delG).
Protein change: p.Ala1965fs; shifts the reading frame from alanine 1965.
Molecular consequence: frameshift variant.
Genome position (GRCh38, 1-based): chr15:48,445,400, C deleted on the plus strand (G on the coding strand, the reverse complement: FBN1 is on the minus strand); the first of 2 consecutive C bases (chr15:48,445,400-48,445,401); deleting either gives the same sequence. VCF-style (leftmost placement, unchanged base first): chr15-48445399-GC-G. GRCh37 (hg19) VCF-style: chr15-48737596-GC-G.
Other names: c.5893delG (NM_000138.4); short protein forms A1965fs.
Identifiers: ClinVar variation 200164 (VCV000200164.2), dbSNP rs794728312, ClinGen allele CA016157.

ClinVar aggregate classification (germline): Pathogenic (1 of 4 stars; one submission).

Submission:

GeneDx
Classification: Pathogenic. Last evaluated: 2014-06-27. Review status: criteria provided, single submitter. Criteria: GeneDx Variant Classification (06012015). Collection method: clinical testing. Allele origin: germline. Affected: yes.
Comment: Although the c.5893delG mutation in the FBN1 gene has not been reported to our knowledge, this mutation causes a shift in reading frame starting at codon Alanine 1965, changing it to a Leucine, and creating a premature stop codon at position 15 of the new reading frame, denoted p.Ala1965LeufsX15. This mutation is expected to result in either an abnormal, truncated protein product or loss of protein from this allele through nonsense-mediated mRNA decay. Other frameshift mutations in the FBN1 gene have been reported in association with Marfan syndrome. In summary, c.5893delG in the FBN1 gene is interpreted as a disease-causing mutation.